The following is an entry in ClinVar:

NM_020631.6(PLEKHG5):c.292_293delinsTC (p.Lys98Ser)

Gene: PLEKHG5 (pleckstrin homology and RhoGEF domain containing G5; minus strand). Cytogenetic location: 1p36.31.
Variant type: Indel.
Coding change: c.292_293delinsTC on transcript NM_020631.6 (MANE Select); coding-DNA positions 292 to 293, AA replaced by TC.
Protein change: p.Lys98Ser; replaces lysine 98 with serine.
Molecular consequence: missense variant.
Genome position (GRCh38, 1-based): chr1:6,475,056-6,475,057, TT replaced by GA on the plus strand (AA replaced by TC on the coding strand, the reverse complement: PLEKHG5 is on the minus strand). VCF-style: chr1-6475056-TT-GA. GRCh37 (hg19) VCF-style: chr1-6535116-TT-GA.
Other names: c.403_404delinsTC, p.Lys135Ser (NM_001042663.3, NM_001265592.2); c.292_293delinsTC, p.Lys98Ser (NM_001042664.2, NM_001042665.2, NM_001265594.3 and 1 more transcripts); c.499_500delinsTC, p.Lys167Ser (NM_001265593.2); short protein forms K135S, K167S, K98S.
Identifiers: ClinVar variation 3902375 (VCV003902375.1).
Genomic context (GRCh38, chr1:6,475,056, plus strand): 5'-GCCACCCCTACTCCCAGTCCCACTTCCACCCTGAGCCCCATCAAGCCCTACCCCAGTGAC[TT>GA]CTTCTTCATGGCTGGGACGATCTCTGTCTCAATGTCCACATTCAGGTCAAATTTCAGAGT-3'
Protein context (NP_065682.2, residues 88-108): ETEIVPAMKK[Lys98Ser]SLGEVLLPVF

ClinVar aggregate classification (germline): Uncertain significance (1 of 4 stars; one submission).

Submission:

Women's Health and Genetics/Laboratory Corporation of America, LabCorp
Classification: Uncertain significance. Last evaluated: 2025-05-08. Review status: criteria provided, single submitter. Criteria: LabCorp Variant Classification Summary - May 2015. Collection method: clinical testing. Allele origin: germline.
Comment: Variant summary: PLEKHG5 c.292_293delinsTC (p.Lys98Ser) results in a non-conservative amino acid change in the encoded protein sequence. Algorithms developed to predict the effect of missense changes on protein structure and function are either unavailable or do not agree on the potential impact of this missense change. The frequency of this variant in the general population could not be determined as the technology used for large population databases (ExAC, gnomAD, ESP, 1000G) cannot detect variants of this type. The available data on variant occurrences in the general population are insufficient to allow any conclusion about variant significance. To our knowledge, no occurrence of c.292_293delinsTC in individuals affected with Distal Spinal Muscular Atrophy, Autosomal Recessive 4 and no experimental evidence demonstrating its impact on protein function have been reported. No submitters have cited clinical-significance assessments for this variant to ClinVar. Based on the evidence outlined above, the variant was classified as uncertain significance.